The following is an entry in ClinVar:

NM_000229.2(LCAT):c.21A>G (p.Pro7=)

Genes: LCAT (lecithin-cholesterol acyltransferase; minus strand), SLC12A4 (solute carrier family 12 member 4; minus strand). Cytogenetic location: 16q22.1.
Variant type: single nucleotide variant.
Coding change: c.21A>G on transcript NM_000229.2 (MANE Select); coding-DNA position 21, A replaced by G.
Protein change: p.Pro7=; no amino-acid change (proline 7 retained).
Molecular consequence: synonymous variant. On other transcripts: 3 prime UTR variant (5).
Genome position (GRCh38, 1-based): chr16:67,944,081, T>C on the plus strand (A>G on the coding strand, the complement: LCAT is on the minus strand). VCF-style: chr16-67944081-T-C. GRCh37 (hg19) VCF-style: chr16-67977984-T-C.
Other names: p.Pro7=; c.*759A>G (NM_001145961.2, NM_001145962.1, NM_001145963.2 and 2 more transcripts).
Identifiers: ClinVar variation 3537467 (VCV003537467.2).

ClinVar aggregate classification (germline): Likely benign. Review status: criteria provided, multiple submitters, no conflicts (2 of 4 stars). 2 submissions from 2 submitters: Likely benign (2). Last evaluated 2025-01-27.

Conditions:
Cardiovascular phenotype. Identifiers: MedGen CN230736.

gnomAD v4.1: 17 of 1,547,946 alleles (0.0011%); highest among the groups gnomAD compares: Non-Finnish European, 0.0015%; no homozygotes.

Submissions (2):

Mayo Clinic Laboratories, Mayo Clinic
Classification: Likely benign. Last evaluated: 2025-01-27. Review status: criteria provided, single submitter. Criteria: ACMG Guidelines, 2015. Collection method: clinical testing. Allele origin: germline. Observed: 1 variant allele.
Comment: BP4, BP7, PM2_supporting

Ambry Genetics
Classification: Likely benign for Cardiovascular phenotype. Last evaluated: 2024-08-25. Review status: criteria provided, single submitter. Criteria: Ambry Variant Classification Scheme 2023. Collection method: clinical testing. Allele origin: germline.